The following is an entry in ClinVar:

NM_000528.4(MAN2B1):c.469del (p.Val156_Met157insTer)

Gene: MAN2B1 (mannosidase alpha class 2B member 1; minus strand). Cytogenetic location: 19p13.13.
Variant type: Deletion.
Coding change: c.469del on transcript NM_000528.4 (MANE Select); coding-DNA position 469, one base deleted (A; older notation c.469delA).
Protein change: p.Val156_Met157insTer.
Molecular consequence: nonsense.
Genome position (GRCh38, 1-based): chr19:12,664,953, T deleted on the plus strand (A on the coding strand, the reverse complement: MAN2B1 is on the minus strand). VCF-style (leftmost placement, unchanged base first): chr19-12664952-AT-A. GRCh37 (hg19) VCF-style: chr19-12775766-AT-A.
Other names: c.469del, p.Val156_Met157insTer (NM_001173498.2).
Identifiers: ClinVar variation 2860802 (VCV002860802.3), dbSNP rs2512514928, ClinGen allele CA2739276547.

ClinVar aggregate classification (germline): Pathogenic (1 of 4 stars; one submission).

Conditions:
Deficiency of alpha-mannosidase (MANSA). Also called: Mannosidosis, alpha-, types I and II; Alpha-Mannosidosis; LYSOSOMAL ALPHA-D-MANNOSIDASE DEFICIENCY. Identifiers: Orphanet 61, MedGen C0024748, MONDO:0009561, OMIM 248500.

Submission:

Labcorp Genetics (formerly Invitae), Labcorp
Classification: Pathogenic for Deficiency of alpha-mannosidase. Last evaluated: 2023-05-09. Review status: criteria provided, single submitter. Criteria: Invitae Variant Classification Sherloc (09022015). Collection method: clinical testing. Allele origin: germline.
Comment: For these reasons, this variant has been classified as Pathogenic. This variant has not been reported in the literature in individuals affected with MAN2B1-related conditions. This variant is not present in population databases (gnomAD no frequency). This sequence change creates a premature translational stop signal (p.Met157*) in the MAN2B1 gene. It is expected to result in an absent or disrupted protein product. Loss-of-function variants in MAN2B1 are known to be pathogenic (PMID: 9915946, 22161967).

Literature cited by the submitters: PubMed 9915946; PubMed 22161967.